The following is an entry in ClinVar:

ClinVar aggregate classification (germline): Uncertain significance (1 of 4 stars; one submission).

Submission:

GeneDx
Classification: Uncertain significance. Last evaluated: 2019-11-15. Review status: criteria provided, single submitter. Criteria: GeneDx Variant Classification Process June 2021. Collection method: clinical testing. Allele origin: germline. Affected: yes.
Comment: Not observed in large population cohorts (Lek et al., 2016); In silico analysis, which includes protein predictors and evolutionary conservation, supports that this variant does not alter protein structure/function; Has not been previously published as pathogenic or benign to our knowledge

NM_001278716.2(FBXL4):c.721A>G (p.Ile241Val)

Gene: FBXL4 (F-box and leucine rich repeat protein 4; minus strand). Cytogenetic location: 6q16.2.
Variant type: single nucleotide variant.
Coding change: c.721A>G on transcript NM_001278716.2 (MANE Select); coding-DNA position 721, A replaced by G.
Protein change: p.Ile241Val; replaces isoleucine 241 with valine.
Molecular consequence: missense variant.
Genome position (GRCh38, 1-based): chr6:98,917,511, T>C on the plus strand (A>G on the coding strand, the complement: FBXL4 is on the minus strand). VCF-style: chr6-98917511-T-C. GRCh37 (hg19) VCF-style: chr6-99365387-T-C.
Other names: c.721A>G, p.Ile241Val (NM_012160.5); short protein forms I241V.
Identifiers: ClinVar variation 1308454 (VCV001308454.2), dbSNP rs1772408762, ClinGen allele CA365083609.